The following is an entry in ClinVar:

ClinVar aggregate classification (germline): Uncertain significance (1 of 4 stars; one submission).

Conditions:
Cholestanol storage disease (CTX). Also called: CEREBRAL CHOLESTERINOSIS; CTX: Cerebrotendinous xanthomatosis; Cerebrotendinous Xanthomatosis. Identifiers: Orphanet 909, MedGen C0238052, MONDO:0008948, OMIM 213700.

Submission:

Labcorp Genetics (formerly Invitae), Labcorp
Classification: Uncertain significance for Cholestanol storage disease. Last evaluated: 2024-11-05. Review status: criteria provided, single submitter. Criteria: Invitae Variant Classification Sherloc (09022015). Collection method: clinical testing. Allele origin: germline.
Comment: This sequence change falls in intron 4 of the CYP27A1 gene. It does not directly change the encoded amino acid sequence of the CYP27A1 protein. It affects a nucleotide within the consensus splice site. This variant is not present in population databases (gnomAD no frequency). This variant has not been reported in the literature in individuals affected with CYP27A1-related conditions. Variants that disrupt the consensus splice site are a relatively common cause of aberrant splicing (PMID: 17576681, 9536098). In summary, the available evidence is currently insufficient to determine the role of this variant in disease. Therefore, it has been classified as a Variant of Uncertain Significance.

Literature cited by the submitters: PubMed 17576681; PubMed 9536098.

NM_000784.4(CYP27A1):c.844+5_844+6insATGTGGTGAGAGTCTGAGAGGACTTTCCTTTGGTGAGAGTCTGAGAG

Gene: CYP27A1 (cytochrome P450 family 27 subfamily A member 1; plus strand). Cytogenetic location: 2q35.
Variant type: Microsatellite.
Coding change: c.844+5_844+6insATGTGGTGAGAGTCTGAGAGGACTTTCCTTTGGTGAGAGTCTGAGAG on transcript NM_000784.4 (MANE Select); bases 5 to 6 of the intron after coding-DNA position 844, ATGTGGTGAGAGTCTGAGAGGACTTTCCTTTGGTGAGAGTCTGAGAG inserted.
Molecular consequence: intron variant.
Genome position: GRCh38: chr2:218,812,752-218,812,754. GRCh37 (hg19): chr2:219,677,475-219,677,477.
Identifiers: ClinVar variation 1923922 (VCV001923922.5), dbSNP rs2470227196.